The following is an entry in ClinVar:

NM_000535.7(PMS2):c.164-1G>A

Gene: PMS2 (PMS1 homolog 2, mismatch repair system component; minus strand). Cytogenetic location: 7p22.1.
Variant type: single nucleotide variant.
Coding change: c.164-1G>A on transcript NM_000535.7 (MANE Select); the canonical splice acceptor site of the intron before coding-DNA position 164, G replaced by A.
Molecular consequence: splice acceptor variant. On other transcripts: intron variant (1).
Genome position (GRCh38, 1-based): chr7:6,004,059, C>T on the plus strand (G>A on the coding strand, the complement: PMS2 is on the minus strand). VCF-style: chr7-6004059-C-T. GRCh37 (hg19) VCF-style: chr7-6043690-C-T.
Other names: c.-52-1G>A (NM_001322008.2, NM_001406902.1, NM_001406883.1 and 4 more transcripts); c.-218-1G>A (NM_001406881.1, NM_001406900.1); c.-189-1G>A (NM_001406895.1, NM_001406904.1, NM_001406889.1 and 6 more transcripts); c.-242-1G>A (NM_001406911.1, NM_001322010.2, NM_001322004.2 and 13 more transcripts); c.-321-1G>A (NM_001406879.1, NM_001322015.2, NM_001406878.1 and 3 more transcripts); c.-721-1G>A (NM_001322012.2, NM_001322011.2); c.-52-1423G>A (NM_001406896.1); c.164-1G>A (NM_001406885.1, NM_001406886.1, NM_001406884.1 and 10 more transcripts); and 3 more.
Identifiers: ClinVar variation 484252 (VCV000484252.22), dbSNP rs763308607, ClinGen allele CA044881.

ClinVar aggregate classification (germline): Pathogenic/Likely pathogenic. Review status: criteria provided, multiple submitters, no conflicts (2 of 4 stars). 10 submissions from 10 submitters: Pathogenic (7); Likely pathogenic (3). Last evaluated 2026-08-01.

Conditions:
Hereditary nonpolyposis colon cancer (HNPCC). Also called: Hereditary nonpolyposis colorectal cancer; Familial nonpolyposis colon cancer; Hereditary Nonpolyposis Colorectal Cancer Syndrome. Identifiers: Orphanet 443909, MedGen C1333990, MONDO:0018630. Disease mechanism: loss of function.
Hereditary nonpolyposis colorectal neoplasms. Identifiers: MedGen C0009405, MeSH D003123.
Hereditary cancer-predisposing syndrome. Also called: Hereditary neoplastic syndrome; Tumor predisposition; Neoplastic Syndromes, Hereditary; Hereditary Cancer Syndrome. Identifiers: Orphanet 140162, MedGen C0027672, MeSH D009386, MONDO:0015356.
Lynch syndrome 4 (LYNCH4). Also called: Colorectal cancer, hereditary nonpolyposis, type 4; Hereditary non-polyposis colorectal cancer, type 4. Identifiers: Orphanet 144, MedGen C1838333, MONDO:0013699, OMIM 614337. Disease mechanism: loss of function.
Mismatch repair cancer syndrome 1 (MMRCS1). Also called: BRAIN TUMOR-POLYPOSIS SYNDROME 1; BTP1 SYNDROME; CHILDHOOD CANCER SYNDROME; MISMATCH REPAIR DEFICIENCY; MMR DEFICIENCY. Identifiers: Orphanet 252202, MedGen C5399763, MONDO:0010159, OMIM 276300. Disease mechanism: loss of function.

Allele frequency attached by ClinVar (database versions not stated): ExAC 0.00001; gnomAD 0.00001.
gnomAD v4.1: 6 of 1,519,112 alleles (0.00039%); highest among the groups gnomAD compares: Non-Finnish European, 0.00055%; no homozygotes.

Submissions (10):

CeGaT Center for Human Genetics Tuebingen
Classification: Pathogenic. Last evaluated: 2026-08-01. Review status: criteria provided, single submitter. Criteria: CeGaT Center For Human Genetics Tuebingen Variant Classification Criteria Version 2. Collection method: clinical testing. Allele origin: germline. Affected: yes. Observed: 1 variant allele.
Comment: PMS2: PVS1, PS4:Moderate, PM2:Supporting

Women's Health and Genetics/Laboratory Corporation of America, LabCorp
Classification: Pathogenic for Hereditary nonpolyposis colon cancer. Last evaluated: 2026-03-20. Review status: criteria provided, single submitter. Criteria: LabCorp Variant Classification Summary - May 2015. Collection method: clinical testing. Allele origin: germline.
Comment: Variant summary: PMS2 c.164-1G>A is located in a canonical splice-site and is predicted to affect mRNA splicing resulting in a significantly altered protein due to either exon skipping, shortening, or inclusion of intronic material. Variants that disrupt the consensus splice site are a relatively common cause of aberrant splicing and loss of PMS2 function. Several computational tools predict a significant impact on normal splicing: Four predict the variant abolishes athe canonical 3' acceptor site. At least one publication reports experimental evidence that this variant indeed affects mRNA splicing, ultimately resulting in a premature truncation (Bouras_2024). The variant allele was found at a frequency of 8.1e-06 in 248116 control chromosomes. c.164-1G>A has been observed in the homozygous state in at least one individual affected with constitutional mismatch repair deficiency (Gallon_2023, Bouras_2024) and in the heterozygous state in three individuals affected with colorectal cancer where it was found in cis with the c.137G>T pathogenic variant (p.Ser46Ile) in all three patients (Wang_2020). The following publications have been ascertained in the context of this evaluation (PMID: 38311346, 36586540, 29922827, 31992580). ClinVar contains an entry for this variant (Variation ID: 484252). Based on the evidence outlined above, the variant was classified as pathogenic.

Labcorp Genetics (formerly Invitae), Labcorp
Classification: Pathogenic for Hereditary nonpolyposis colorectal neoplasms. Last evaluated: 2026-01-05. Review status: criteria provided, single submitter. Criteria: Invitae Variant Classification Sherloc (09022015). Collection method: clinical testing. Allele origin: germline.
Comment: This sequence change affects an acceptor splice site in intron 2 of the PMS2 gene. RNA analysis indicates that disruption of this splice site induces altered splicing and may result in an absent or altered protein product. This variant is present in population databases (rs763308607, gnomAD 0.0009%). Disruption of this splice site has been observed in individual(s) with endometrial cancer (PMID: 31992580). ClinVar contains an entry for this variant (Variation ID: 484252). Studies have shown that disruption of this splice site results in activation of a cryptic splice site, and produces a non-functional protein and/or introduces a premature termination codon (internal data). For these reasons, this variant has been classified as Pathogenic.

Ambry Genetics
Classification: Pathogenic for Hereditary cancer-predisposing syndrome. Last evaluated: 2025-01-06. Review status: criteria provided, single submitter. Criteria: Ambry Variant Classification Scheme 2023. Collection method: clinical testing. Allele origin: germline.
Comment: The c.164-1G>A intronic pathogenic mutation results from a G to A substitution one nucleotide upstream from coding exon 3 of the PMS2 gene. This variant has been identified in cis in the literature and likely in cis in our internal cohort with a pathogenic finding in this same gene in multiple individuals with no reported features of constitutional mismatch repair-deficiency, but whose Lynch syndrome-associated tumors demonstrated microsatellite instability and/or loss of PMS2 expression by immunohistochemistry (IHC; Wang Q et al. J Med Genet, 2020 07;57:487-499; Ambry internal data). This alteration was identified in a cohort of individuals suspected of having a hereditary colon cancer syndrome undergoing multigene panel testing (Baert-Desurmont S et al. Eur. J. Hum. Genet. 2018 11;26:1597-1602). This variant is considered to be rare based on population cohorts in the Genome Aggregation Database (gnomAD). This nucleotide position is highly conserved in available vertebrate species. In silico splice site analysis predicts that this alteration will weaken the native splice acceptor site and will result in the creation or strengthening of a novel splice acceptor site. RNA studies have demonstrated that this alteration results in abnormal splicing in the set of samples tested (Ambry internal data). Another alteration impacting the same acceptor site (c.164-1G>C) has been detected in multiple probands whose Lynch syndrome-associated tumors demonstrated loss of PMS2 expression by IHC (Ambry internal data). Alterations that disrupt the canonical splice site are expected to cause aberrant splicing, resulting in an abnormal protein or a transcript that is subject to nonsense-mediated mRNA decay. Based on the supporting evidence, this variant is interpreted as a disease-causing mutation.

Molecular Pathology, Peter Maccallum Cancer Centre
Classification: Pathogenic for Lynch syndrome 4. Last evaluated: 2024-03-26. Review status: criteria provided, single submitter. Criteria: ACMG Guidelines, 2015. Collection method: clinical testing. Allele origin: germline. Inheritance: Autosomal dominant inheritance.

GeneDx
Classification: Likely pathogenic. Last evaluated: 2024-01-17. Review status: criteria provided, single submitter. Criteria: GeneDx Variant Classification Process June 2021. Collection method: clinical testing. Allele origin: germline. Affected: yes.
Comment: Canonical splice site variant predicted to result in an in-frame loss of the adjacent exon in a gene for which loss of function is a known mechanism of disease; Not observed at significant frequency in large population cohorts (gnomAD); Observed in cis with another PMS2 pathogenic variant in individuals with colorectal and/or endometrial cancer, with tumors demonstrating microsatellite instability and absent PMS2 staining, in the published literature (PMID: 31992580); This variant is associated with the following publications: (PMID: 29967336, 33309985, 31992580, 29922827)

Myriad Genetics, Inc.
Classification: Likely pathogenic for Lynch syndrome 4. Last evaluated: 2023-09-18. Review status: criteria provided, single submitter. Criteria: Myriad Autosomal Dominant, Autosomal Recessive and X-Linked Classification Criteria (2023). Collection method: clinical testing. Allele origin: unknown.
Comment: This variant is considered likely pathogenic. This variant occurs within a consensus splice junction and is predicted to result in abnormal mRNA splicing of either an out-of-frame exon or an in-frame exon necessary for protein stability and/or normal function.

Baylor Genetics
Classification: Likely pathogenic for Lynch syndrome 4. Last evaluated: 2023-08-27. Review status: criteria provided, single submitter. Criteria: ACMG Guidelines, 2015. Collection method: clinical testing. Allele origin: unknown.

Department of Pathology and Laboratory Medicine, Sinai Health System
Classification: Pathogenic for mismatch repair cancer syndrome 1. Last evaluated: 2022-09-27. Review status: criteria provided, single submitter. Criteria: ACMG Guidelines, 2015. Collection method: clinical testing. Allele origin: germline. Affected: no.

Juno Genomics, Hangzhou Juno Genomics, Inc
Classification: Pathogenic for Lynch syndrome 4. Review status: criteria provided, single submitter. Criteria: ACMG Guidelines, 2015. Collection method: clinical testing. Allele origin: germline.
Comment: Absent from controls (or at extremely low frequency if recessive) in Genome Aggregation Database.;For recessive disorders, detected in trans with a pathogenic variant.

Literature cited by the submitters: PubMed 29922827 (cited by Women's Health and Genetics/Laboratory Corporation of America, LabCorp and Ambry Genetics); PubMed 31992580 (cited by 4 submitters); PubMed 38311346 (cited by Women's Health and Genetics/Laboratory Corporation of America, LabCorp); PubMed 36586540 (cited by Women's Health and Genetics/Laboratory Corporation of America, LabCorp); PubMed 29967336 (cited by Ambry Genetics and Department of Pathology and Laboratory Medicine, Sinai Health System).